The following is an entry in ClinVar:

NM_000170.3(GLDC):c.1333T>C (p.Ser445Pro)

Gene: GLDC (glycine decarboxylase; minus strand). Cytogenetic location: 9p24.1.
Variant type: single nucleotide variant.
Coding change: c.1333T>C on transcript NM_000170.3 (MANE Select); coding-DNA position 1333, T replaced by C.
Protein change: p.Ser445Pro; replaces serine 445 with proline.
Molecular consequence: missense variant.
Genome position (GRCh38, 1-based): chr9:6,592,919, A>G on the plus strand (T>C on the coding strand, the complement: GLDC is on the minus strand). VCF-style: chr9-6592919-A-G. GRCh37 (hg19) VCF-style: chr9-6592919-A-G.
Other names: short protein forms S445P.
Identifiers: ClinVar variation 1307596 (VCV001307596.5), dbSNP rs756770984, ClinGen allele CA4980758.

ClinVar aggregate classification (germline): Uncertain significance. Review status: criteria provided, multiple submitters, no conflicts (2 of 4 stars). 3 submissions from 3 submitters: Uncertain significance (3). Last evaluated 2025-08-21.

Conditions:
Glycine encephalopathy. Also called: Non-ketotic hyperglycinemia; Nonketotic hyperglycinemia. Identifiers: Orphanet 407, MedGen C0751748, MONDO:0011612, HP:0008288.
Inborn genetic diseases. Identifiers: MedGen C0950123, MeSH D030342.

Allele frequency attached by ClinVar (database versions not stated): gnomAD exomes below 0.00001; ExAC 0.00001; gnomAD 0.00001.
gnomAD v4.1: 5 of 1,613,868 alleles (0.00031%); highest among the groups gnomAD compares: Non-Finnish European, 0.00042%; no homozygotes.

Submissions (3):

Ambry Genetics
Classification: Uncertain significance for Inborn genetic diseases. Last evaluated: 2025-08-21. Review status: criteria provided, single submitter. Criteria: Ambry Variant Classification Scheme 2023. Collection method: clinical testing. Allele origin: germline.

Labcorp Genetics (formerly Invitae), Labcorp
Classification: Uncertain significance for Glycine encephalopathy. Last evaluated: 2024-01-02. Review status: criteria provided, single submitter. Criteria: Invitae Variant Classification Sherloc (09022015). Collection method: clinical testing. Allele origin: germline.
Comment: This sequence change replaces serine, which is neutral and polar, with proline, which is neutral and non-polar, at codon 445 of the GLDC protein (p.Ser445Pro). This variant is not present in population databases (gnomAD no frequency). This variant has not been reported in the literature in individuals affected with GLDC-related conditions. ClinVar contains an entry for this variant (Variation ID: 1307596). Advanced modeling of protein sequence and biophysical properties (such as structural, functional, and spatial information, amino acid conservation, physicochemical variation, residue mobility, and thermodynamic stability) performed at Invitae indicates that this missense variant is not expected to disrupt GLDC protein function with a negative predictive value of 80%. In summary, the available evidence is currently insufficient to determine the role of this variant in disease. Therefore, it has been classified as a Variant of Uncertain Significance.

GeneDx
Classification: Uncertain significance. Last evaluated: 2019-08-08. Review status: criteria provided, single submitter. Criteria: GeneDx Variant Classification Process June 2021. Collection method: clinical testing. Allele origin: germline. Affected: yes.
Comment: Not observed in large population cohorts (Lek et al., 2016); In silico analysis, which includes protein predictors and evolutionary conservation, supports that this variant does not alter protein structure/function; Has not been previously published as pathogenic or benign to our knowledge